The following is an entry in ClinVar:

NM_004525.3(LRP2):c.6835A>T (p.Thr2279Ser)

Gene: LRP2 (LDL receptor related protein 2; minus strand). Cytogenetic location: 2q31.1.
Variant type: single nucleotide variant.
Coding change: c.6835A>T on transcript NM_004525.3 (MANE Select); coding-DNA position 6835, A replaced by T.
Protein change: p.Thr2279Ser; replaces threonine 2279 with serine.
Molecular consequence: missense variant.
Genome position (GRCh38, 1-based): chr2:169,206,885, T>A on the plus strand (A>T on the coding strand, the complement: LRP2 is on the minus strand). VCF-style: chr2-169206885-T-A. GRCh37 (hg19) VCF-style: chr2-170063395-T-A.
Other names: short protein forms T2279S.
Identifiers: ClinVar variation 2130306 (VCV002130306.4), dbSNP rs772860058, ClinGen allele CA1954208.

ClinVar aggregate classification (germline): Uncertain significance (1 of 4 stars; one submission).

Allele frequency attached by ClinVar (database versions not stated): gnomAD exomes below 0.00001; ExAC 0.00001.
gnomAD v4.1: 2 of 1,613,890 alleles (0.00012%); highest among the groups gnomAD compares: Admixed American, 0.0033%; no homozygotes.

Submission:

Labcorp Genetics (formerly Invitae), Labcorp
Classification: Uncertain significance. Last evaluated: 2024-11-18. Review status: criteria provided, single submitter. Criteria: Invitae Variant Classification Sherloc (09022015). Collection method: clinical testing. Allele origin: germline.
Comment: This sequence change replaces threonine, which is neutral and polar, with serine, which is neutral and polar, at codon 2279 of the LRP2 protein (p.Thr2279Ser). This variant is present in population databases (rs772860058, gnomAD 0.006%). This variant has not been reported in the literature in individuals affected with LRP2-related conditions. ClinVar contains an entry for this variant (Variation ID: 2130306). Invitae Evidence Modeling of protein sequence and biophysical properties (such as structural, functional, and spatial information, amino acid conservation, physicochemical variation, residue mobility, and thermodynamic stability) indicates that this missense variant is not expected to disrupt LRP2 protein function with a negative predictive value of 95%. In summary, the available evidence is currently insufficient to determine the role of this variant in disease. Therefore, it has been classified as a Variant of Uncertain Significance.